The following is an entry in ClinVar:

ClinVar aggregate classification (germline): Likely benign. Review status: criteria provided, multiple submitters, no conflicts (2 of 4 stars). 2 submissions from 2 submitters: Likely benign (2). Last evaluated 2026-01-27.

Conditions:
MYH7B-related disorder. Also called: MYH7B-related condition.

Allele frequency attached by ClinVar (database versions not stated): ESP Exome Variant Server 0.00047; gnomAD exomes 0.00062; TOPMed 0.00068; gnomAD 0.00072 and 0.00077.

Submissions (2):

Labcorp Genetics (formerly Invitae), Labcorp
Classification: Likely benign. Last evaluated: 2026-01-27. Review status: criteria provided, single submitter. Criteria: Invitae Variant Classification Sherloc (09022015). Collection method: clinical testing. Allele origin: germline.

PreventionGenetics, part of Exact Sciences
Classification: Likely benign for MYH7B-related condition. Last evaluated: 2025-03-13. Review status: criteria provided, single submitter. Criteria: ACMG Guidelines, 2015. Collection method: clinical testing. Allele origin: germline.
Comment: This variant is classified as likely benign based on ACMG/AMP sequence variant interpretation guidelines (Richards et al. 2015 PMID: 25741868, with internal and published modifications).

NM_020884.7(MYH7B):c.3576C>T (p.His1192=)

Gene: MYH7B (myosin heavy chain 7B; plus strand). Cytogenetic location: 20q11.22.
Variant type: single nucleotide variant.
Coding change: c.3576C>T on transcript NM_020884.7 (MANE Select); coding-DNA position 3576, C replaced by T.
Protein change: p.His1192=; no amino-acid change (histidine 1192 retained).
Molecular consequence: synonymous variant.
Genome position (GRCh38, 1-based): chr20:34,997,469, C>T. VCF-style: chr20-34997469-C-T. GRCh37 (hg19) VCF-style: chr20-33585272-C-T.
Other names: c.3702C>T (NM_020884.4).
Identifiers: ClinVar variation 1647875 (VCV001647875.9), dbSNP rs376851177, ClinGen allele CA9827768.